The following is an entry in ClinVar:

NM_020381.4(PDSS2):c.678A>G (p.Val226=)

Gene: PDSS2 (decaprenyl diphosphate synthase subunit 2; minus strand). Cytogenetic location: 6q21.
Variant type: single nucleotide variant.
Coding change: c.678A>G on transcript NM_020381.4 (MANE Select); coding-DNA position 678, A replaced by G.
Protein change: p.Val226=; no amino-acid change (valine 226 retained).
Molecular consequence: synonymous variant.
Genome position (GRCh38, 1-based): chr6:107,245,572, T>C on the plus strand (A>G on the coding strand, the complement: PDSS2 is on the minus strand). VCF-style: chr6-107245572-T-C. GRCh37 (hg19) VCF-style: chr6-107566776-T-C.
Identifiers: ClinVar variation 508410 (VCV000508410.1), dbSNP rs142774321, ClinGen allele CA3946052.

ClinVar aggregate classification (germline): Likely benign (1 of 4 stars; one submission).

Allele frequency attached by ClinVar (database versions not stated): gnomAD below 0.00001 and 0.00001; gnomAD exomes 0.00001 and 0.00002; ExAC 0.00003; 1000 Genomes Project 30x 0.00016; 1000 Genomes Project 0.00020.
gnomAD v4.1: 17 of 1,590,806 alleles (0.0011%); highest among the groups gnomAD compares: South Asian, 0.015%; no homozygotes.

Submission:

GeneDx
Classification: Likely benign. Last evaluated: 2017-04-15. Review status: criteria provided, single submitter. Criteria: GeneDx Variant Classification (06012015). Collection method: clinical testing. Allele origin: germline. Affected: yes.
Comment: This variant is considered likely benign or benign based on one or more of the following criteria: it is a conservative change, it occurs at a poorly conserved position in the protein, it is predicted to be benign by multiple in silico algorithms, and/or has population frequency not consistent with disease.